The following is an entry in ClinVar:

NM_012203.2(GRHPR):c.779dup (p.Ser260fs)

Gene: GRHPR (glyoxylate and hydroxypyruvate reductase; plus strand). Cytogenetic location: 9p13.2.
Variant type: Duplication.
Coding change: c.779dup on transcript NM_012203.2 (MANE Select); coding-DNA position 779, one base duplicated (G; older notation c.779dupG).
Protein change: p.Ser260fs; shifts the reading frame from serine 260.
Molecular consequence: frameshift variant.
Genome position (GRCh38, 1-based): chr9:37,432,052, G duplicated. VCF-style (leftmost placement, unchanged base first): chr9-37432051-A-AG. GRCh37 (hg19) VCF-style: chr9-37432048-A-AG.
Other names: c.779dup (NM_012203.1); short protein forms S260fs.
Identifiers: ClinVar variation 2675950 (VCV002675950.2), dbSNP rs2489249156, ClinGen allele CA2689982796.

ClinVar aggregate classification (germline): Likely pathogenic. Review status: criteria provided, multiple submitters, no conflicts (2 of 4 stars). 2 submissions from 2 submitters: Likely pathogenic (2). Last evaluated 2025-09-05.

Conditions:
Primary hyperoxaluria, type II (HP2). Also called: D-GLYCERATE DEHYDROGENASE DEFICIENCY; GLYCERIC ACIDURIA; GLYOXYLATE REDUCTASE/HYDROXYPYRUVATE REDUCTASE DEFICIENCY; OXALOSIS II; Primary hyperoxaluria type 2. Identifiers: Orphanet 416, Orphanet 93599, MedGen C0268165, MONDO:0009824, OMIM 260000. Disease mechanism: loss of function.

Allele frequency attached by ClinVar (database versions not stated): gnomAD exomes 0.00001.

Submissions (2):

Natera, Inc.
Classification: Likely pathogenic for Primary hyperoxaluria type II. Last evaluated: 2025-09-05. Review status: criteria provided, single submitter. Criteria: Natera Variant Classification Schema (03/2026). Collection method: clinical testing. Allele origin: germline.
Comment: The c.779dup variant in GRHPR is a frameshift variant predicted to shift the reading frame beginning at codon 260 and leads to a stop codon 3 codons downstream. This variant is expected to result in nonsense mediated decay, truncation, or a dysfunctional protein product. This variant is rare in the general population with a frequency below the threshold expected for the associated phenotype(s). Given the available evidence, this variant is classified as Likely Pathogenic.

Baylor Genetics
Classification: Likely pathogenic for Primary hyperoxaluria, type II. Last evaluated: 2023-05-23. Review status: criteria provided, single submitter. Criteria: ACMG Guidelines, 2015. Collection method: clinical testing. Allele origin: unknown.